The following is an entry in ClinVar:

ClinVar aggregate classification (germline): Likely benign. Review status: criteria provided, multiple submitters, no conflicts (2 of 4 stars). 3 submissions from 3 submitters: Likely benign (2). 1 of the submissions does not count toward it. Last evaluated 2026-07-01.

Conditions:
CHD5-related disorder. Also called: CHD5-related condition.

Allele frequency attached by ClinVar (database versions not stated): TOPMed 0.00084; ExAC 0.00101; gnomAD exomes 0.00120; gnomAD 0.00127; ESP Exome Variant Server 0.00154.
gnomAD v4.1: 1,931 of 1,614,024 alleles (0.12%); highest among the groups gnomAD compares: Non-Finnish European, 0.15%; 3 homozygotes.

Submissions (3):

CeGaT Center for Human Genetics Tuebingen
Classification: Likely benign. Last evaluated: 2026-07-01. Review status: criteria provided, single submitter. Criteria: CeGaT Center For Human Genetics Tuebingen Variant Classification Criteria Version 2. Collection method: clinical testing. Allele origin: germline. Affected: yes. Observed: 6 variant alleles.
Comment: CHD5: BS1

Blueprint Genetics
Classification: Likely benign. Last evaluated: 2024-11-22. Review status: criteria provided, single submitter. Criteria: ACMG Guidelines, 2015. Collection method: clinical testing. Allele origin: germline.

PreventionGenetics, part of Exact Sciences
Classification: Likely benign for CHD5-related condition. Last evaluated: 2024-04-02. Review status: no assertion criteria provided. Collection method: clinical testing. Allele origin: germline. Not counted in ClinVar's aggregate classification.
Comment: This variant is classified as likely benign based on ACMG/AMP sequence variant interpretation guidelines (Richards et al. 2015 PMID: 25741868, with internal and published modifications).

NM_015557.3(CHD5):c.776C>G (p.Ser259Cys)

Gene: CHD5 (chromodomain helicase DNA binding protein 5; minus strand). Cytogenetic location: 1p36.31.
Variant type: single nucleotide variant.
Coding change: c.776C>G on transcript NM_015557.3 (MANE Select); coding-DNA position 776, C replaced by G.
Protein change: p.Ser259Cys; replaces serine 259 with cysteine.
Molecular consequence: missense variant.
Genome position (GRCh38, 1-based): chr1:6,152,506, G>C on the plus strand (C>G on the coding strand, the complement: CHD5 is on the minus strand). VCF-style: chr1-6152506-G-C. GRCh37 (hg19) VCF-style: chr1-6212566-G-C.
Other names: short protein forms S259C.
Identifiers: ClinVar variation 3039894 (VCV003039894.16), dbSNP rs140726881, ClinGen allele CA557261.
Genomic context (GRCh38, chr1:6,152,506, plus strand): 5'-CCGAAGCGGAACTTGAGCCCGGCCGTCTTTTTCCCTTTGCCCTTTTTCTTCCCATCTTTG[G>C]AGCCTTTGATCTTCTTCCTCACTCCAGGCCCTGAAAAACAGCAGTGATGATAGCCAACCA-3'
Protein context (NP_056372.1, residues 249-269): GPGVRKKIKG[Ser259Cys]KDGKKKGKGK